The following is an entry in ClinVar:

NM_080680.3(COL11A2):c.1189G>C (p.Val397Leu)

Gene: COL11A2 (collagen type XI alpha 2 chain; minus strand). Cytogenetic location: 6p21.32.
Variant type: single nucleotide variant.
Coding change: c.1189G>C on transcript NM_080680.3 (MANE Select); coding-DNA position 1189, G replaced by C.
Protein change: p.Val397Leu; replaces valine 397 with leucine.
Molecular consequence: missense variant.
Genome position (GRCh38, 1-based): chr6:33,180,996, C>G on the plus strand (G>C on the coding strand, the complement: COL11A2 is on the minus strand). VCF-style: chr6-33180996-C-G. GRCh37 (hg19) VCF-style: chr6-33148773-C-G.
Other names: c.868G>C, p.Val290Leu (NM_080679.3); c.931G>C, p.Val311Leu (NM_080681.3); c.1189G>C (NM_080680.2); short protein forms V290L, V311L, V397L.
Identifiers: ClinVar variation 1025268 (VCV001025268.10), dbSNP rs148250300, ClinGen allele CA3751429.
Genomic context (GRCh38, chr6:33,180,996, plus strand): 5'-ATGGCCACCAGGTCACTGCTAGACTTACCGCAGGGCCTTCTGGGCCAGGGGGCCCCTCCA[C>G]GAGCATACCCTGTGGAGTCAAAGGTTAAAAATCAGAGGCGACAGGACCAGCACACTCAAC-3'
Protein context (NP_542411.2, residues 387-407): EPAVLEPGML[Val397Leu]EGPPGPEGPA

ClinVar aggregate classification (germline): Uncertain significance. Review status: criteria provided, multiple submitters, no conflicts (2 of 4 stars). 4 submissions from 4 submitters: Uncertain significance (4). Last evaluated 2025-10-16.

Conditions:
Inborn genetic diseases. Identifiers: MedGen C0950123, MeSH D030342.

Allele frequency attached by ClinVar (database versions not stated): TOPMed 0.00012.
gnomAD v4.1: 22 of 1,614,004 alleles (0.0014%); highest among the groups gnomAD compares: African/African-American, 0.027%; no homozygotes.

Submissions (4):

Labcorp Genetics (formerly Invitae), Labcorp
Classification: Uncertain significance. Last evaluated: 2025-10-16. Review status: criteria provided, single submitter. Criteria: Invitae Variant Classification Sherloc (09022015). Collection method: clinical testing. Allele origin: germline.
Comment: This sequence change replaces valine, which is neutral and non-polar, with leucine, which is neutral and non-polar, at codon 397 of the COL11A2 protein (p.Val397Leu). This variant is present in population databases (rs148250300, gnomAD 0.02%). This variant has not been reported in the literature in individuals affected with COL11A2-related conditions. ClinVar contains an entry for this variant (Variation ID: 1025268). Invitae Evidence Modeling of protein sequence and biophysical properties (such as structural, functional, and spatial information, amino acid conservation, physicochemical variation, residue mobility, and thermodynamic stability) indicates that this missense variant is not expected to disrupt COL11A2 protein function with a negative predictive value of 95%. In summary, the available evidence is currently insufficient to determine the role of this variant in disease. Therefore, it has been classified as a Variant of Uncertain Significance.

Ambry Genetics
Classification: Uncertain significance for Inborn genetic diseases. Last evaluated: 2025-08-23. Review status: criteria provided, single submitter. Criteria: Ambry Variant Classification Scheme 2023. Collection method: clinical testing. Allele origin: germline.

GeneDx
Classification: Uncertain significance. Last evaluated: 2023-05-07. Review status: criteria provided, single submitter. Criteria: GeneDx Variant Classification Process June 2021. Collection method: clinical testing. Allele origin: germline. Affected: yes.
Comment: Has not been previously published as pathogenic or benign to our knowledge; In silico analysis supports that this missense variant does not alter protein structure/function

Blueprint Genetics
Classification: Uncertain significance. Last evaluated: 2022-08-29. Review status: criteria provided, single submitter. Criteria: ACMG Guidelines, 2015. Collection method: clinical testing. Allele origin: germline.